The following is an entry in ClinVar:

NM_014049.5(ACAD9):c.653G>A (p.Gly218Glu)

Gene: ACAD9 (acyl-CoA dehydrogenase family member 9; plus strand). Cytogenetic location: 3q21.3.
Variant type: single nucleotide variant.
Coding change: c.653G>A on transcript NM_014049.5 (MANE Select); coding-DNA position 653, G replaced by A.
Protein change: p.Gly218Glu; replaces glycine 218 with glutamic acid.
Molecular consequence: missense variant. On other transcripts: non-coding transcript variant (1).
Genome position (GRCh38, 1-based): chr3:128,899,306, G>A. VCF-style: chr3-128899306-G-A. GRCh37 (hg19) VCF-style: chr3-128618149-G-A.
Other names: c.284G>A, p.Gly95Glu (NM_001410805.1); short protein forms G218E, G95E.
Identifiers: ClinVar variation 1919788 (VCV001919788.3), dbSNP rs1403409653, ClinGen allele CA354434297.

ClinVar aggregate classification (germline): Uncertain significance (1 of 4 stars; one submission).

Allele frequency attached by ClinVar (database versions not stated): TOPMed below 0.00001; gnomAD 0.00001.
gnomAD v4.1: 1 of 1,614,098 alleles (0.000062%); highest among the groups gnomAD compares: Admixed American, 0.0017%; no homozygotes.

Submission:

Labcorp Genetics (formerly Invitae), Labcorp
Classification: Uncertain significance. Last evaluated: 2022-03-20. Review status: criteria provided, single submitter. Criteria: Invitae Variant Classification Sherloc (09022015). Collection method: clinical testing. Allele origin: germline.
Comment: In summary, the available evidence is currently insufficient to determine the role of this variant in disease. Therefore, it has been classified as a Variant of Uncertain Significance. Advanced modeling of protein sequence and biophysical properties (such as structural, functional, and spatial information, amino acid conservation, physicochemical variation, residue mobility, and thermodynamic stability) performed at Invitae indicates that this missense variant is expected to disrupt ACAD9 protein function. This variant has not been reported in the literature in individuals affected with ACAD9-related conditions. This variant is not present in population databases (gnomAD no frequency). This sequence change replaces glycine, which is neutral and non-polar, with glutamic acid, which is acidic and polar, at codon 218 of the ACAD9 protein (p.Gly218Glu).